The following is an entry in ClinVar:

ClinVar aggregate classification (germline): Uncertain significance. Review status: criteria provided, multiple submitters, no conflicts (2 of 4 stars). 2 submissions from 2 submitters: Uncertain significance (2). Last evaluated 2025-08-29.

gnomAD v4.1: 10 of 1,613,712 alleles (0.00062%); highest among the groups gnomAD compares: East Asian, 0.02%; no homozygotes.

Submissions (2):

Ambry Genetics
Classification: Uncertain significance. Last evaluated: 2025-08-29. Review status: criteria provided, single submitter. Criteria: Ambry Variant Classification Scheme 2023. Collection method: clinical testing. Allele origin: germline.

Labcorp Genetics (formerly Invitae), Labcorp
Classification: Uncertain significance. Last evaluated: 2024-11-22. Review status: criteria provided, single submitter. Criteria: Invitae Variant Classification Sherloc (09022015). Collection method: clinical testing. Allele origin: germline.
Comment: This sequence change replaces arginine, which is basic and polar, with serine, which is neutral and polar, at codon 424 of the PLD3 protein (p.Arg424Ser). This variant is present in population databases (rs201893308, gnomAD 0.04%). This variant has not been reported in the literature in individuals affected with PLD3-related conditions. An algorithm developed to predict the effect of missense changes on protein structure and function (PolyPhen-2) suggests that this variant is likely to be tolerated. In summary, the available evidence is currently insufficient to determine the role of this variant in disease. Therefore, it has been classified as a Variant of Uncertain Significance.

NM_012268.4(PLD3):c.1270C>A (p.Arg424Ser)

Gene: PLD3 (phospholipase D family member 3; plus strand). Cytogenetic location: 19q13.2.
Variant type: single nucleotide variant.
Coding change: c.1270C>A on transcript NM_012268.4 (MANE Select); coding-DNA position 1270, C replaced by A.
Protein change: p.Arg424Ser; replaces arginine 424 with serine.
Molecular consequence: missense variant.
Genome position (GRCh38, 1-based): chr19:40,377,870, C>A. VCF-style: chr19-40377870-C-A. GRCh37 (hg19) VCF-style: chr19-40883777-C-A.
Other names: c.1270C>A, p.Arg424Ser (NM_001031696.4, NM_001291311.2); c.1270C>A (NM_012268.2); short protein forms R424S.
Identifiers: ClinVar variation 3610575 (VCV003610575.3).